The following is an entry in ClinVar:

ClinVar aggregate classification (germline): Uncertain significance (1 of 4 stars; one submission).

Allele frequency attached by ClinVar (database versions not stated): gnomAD 0.00003; ExAC 0.00006; gnomAD exomes 0.00002; 1000 Genomes Project 0.00020; TOPMed 0.00004; ESP Exome Variant Server 0.00015; 1000 Genomes Project 30x 0.00016.
gnomAD v4.1: 45 of 1,614,098 alleles (0.0028%); highest among the groups gnomAD compares: Middle Eastern, 0.017%; no homozygotes.

Submission:

Labcorp Genetics (formerly Invitae), Labcorp
Classification: Uncertain significance. Last evaluated: 2024-04-30. Review status: criteria provided, single submitter. Criteria: Invitae Variant Classification Sherloc (09022015). Collection method: clinical testing. Allele origin: germline.
Comment: This sequence change replaces serine, which is neutral and polar, with asparagine, which is neutral and polar, at codon 2043 of the ANK3 protein (p.Ser2043Asn). This variant is present in population databases (rs148860980, gnomAD 0.007%). This variant has not been reported in the literature in individuals affected with ANK3-related conditions. ClinVar contains an entry for this variant (Variation ID: 2079369). Advanced modeling of protein sequence and biophysical properties (such as structural, functional, and spatial information, amino acid conservation, physicochemical variation, residue mobility, and thermodynamic stability) performed at Invitae indicates that this missense variant is not expected to disrupt ANK3 protein function with a negative predictive value of 80%. In summary, the available evidence is currently insufficient to determine the role of this variant in disease. Therefore, it has been classified as a Variant of Uncertain Significance.

NM_020987.5(ANK3):c.6128G>A (p.Ser2043Asn)

Gene: ANK3 (ankyrin 3; minus strand). Cytogenetic location: 10q21.2.
Variant type: single nucleotide variant.
Coding change: c.6128G>A on transcript NM_020987.5 (MANE Select); coding-DNA position 6128, G replaced by A.
Protein change: p.Ser2043Asn; replaces serine 2043 with asparagine.
Molecular consequence: missense variant. On other transcripts: intron variant (4).
Genome position (GRCh38, 1-based): chr10:60,074,753, C>T on the plus strand (G>A on the coding strand, the complement: ANK3 is on the minus strand). VCF-style: chr10-60074753-C-T. GRCh37 (hg19) VCF-style: chr10-61834511-C-T.
Other names: c.4387+5784G>A (NM_001204403.2); c.4408+5784G>A (NM_001204404.2); c.4405+5784G>A (NM_001320874.2); c.1807+5784G>A (NM_001149.4); short protein forms S2043N.
Identifiers: ClinVar variation 2079369 (VCV002079369.4), dbSNP rs148860980, ClinGen allele CA5511916.
Genomic context (GRCh38, chr10:60,074,753, plus strand): 5'-CTCTCCTCACCATCCTTCTTTGCATCCTCAAACTTGTATTTTAAGTTTGTCAGTGAACTA[C>T]TCCCAATATCATTTGTTAGGTAATCAATAACTTTGGTCAAGTTATAATCCTTTTCGGAGG-3'
Protein context (NP_066267.2, residues 2033-2053): VIDYLTNDIG[Ser2043Asn]SSLTNLKYKF